The following is an entry in ClinVar:

NM_014014.5(SNRNP200):c.1843-16_1843-15insGTAGGCACTAGCCTTTGTAATGACTA

Gene: SNRNP200 (small nuclear ribonucleoprotein U5 subunit 200; minus strand). Cytogenetic location: 2q11.2.
Variant type: Insertion.
Coding change: c.1843-16_1843-15insGTAGGCACTAGCCTTTGTAATGACTA on transcript NM_014014.5 (MANE Select); 16 bases into the intron before coding-DNA position 1843 through 15 bases into the intron before coding-DNA position 1843, GTAGGCACTAGCCTTTGTAATGACTA inserted.
Molecular consequence: intron variant.
Genome position: GRCh38 VCF-style: chr2-96293524-G-GACTAGTCATTACAAAGGCTAGTGCCT. GRCh37 (hg19) VCF-style: chr2-96959262-G-GACTAGTCATTACAAAGGCTAGTGCCT.
Identifiers: ClinVar variation 2855266 (VCV002855266.3), dbSNP rs2467342968, ClinGen allele CA2739271157.

ClinVar aggregate classification (germline): Uncertain significance (1 of 4 stars; one submission).

Submission:

Labcorp Genetics (formerly Invitae), Labcorp
Classification: Uncertain significance. Last evaluated: 2023-10-14. Review status: criteria provided, single submitter. Criteria: Invitae Variant Classification Sherloc (09022015). Collection method: clinical testing. Allele origin: germline.
Comment: This sequence change falls in intron 14 of the SNRNP200 gene. It does not directly change the encoded amino acid sequence of the SNRNP200 protein. This variant is not present in population databases (gnomAD no frequency). This variant has not been reported in the literature in individuals affected with SNRNP200-related conditions. Experimental studies and prediction algorithms are not available or were not evaluated, and the effect of this variant on mRNA splicing is currently unknown. In summary, the available evidence is currently insufficient to determine the role of this variant in disease. Therefore, it has been classified as a Variant of Uncertain Significance.